The following is an entry in ClinVar:

ClinVar aggregate classification (germline): Uncertain significance (1 of 4 stars; one submission).

Conditions:
Epidermodysplasia verruciformis. Identifiers: Orphanet 302, MedGen C0014522, MONDO:0009176.

Allele frequency attached by ClinVar (database versions not stated): gnomAD 0.00001; TOPMed 0.00001; ExAC 0.00004.

Submission:

Labcorp Genetics (formerly Invitae), Labcorp
Classification: Uncertain significance for Epidermodysplasia verruciformis. Last evaluated: 2019-03-05. Review status: criteria provided, single submitter. Criteria: Invitae Variant Classification Sherloc (09022015). Collection method: clinical testing. Allele origin: germline.
Comment: In summary, the available evidence is currently insufficient to determine the role of this variant in disease. Therefore, it has been classified as a Variant of Uncertain Significance. Algorithms developed to predict the effect of missense changes on protein structure and function do not agree on the potential impact of this missense change (SIFT: "Deleterious"; PolyPhen-2: "Probably Damaging"; Align-GVGD: "Class C0"). This variant has not been reported in the literature in individuals with TMC6-related disease. This variant is present in population databases (rs749657465, ExAC 0.08%). This sequence change replaces serine with leucine at codon 678 of the TMC6 protein (p.Ser678Leu). The serine residue is highly conserved and there is a large physicochemical difference between serine and leucine.

NM_001127198.5(TMC6):c.2033C>T (p.Ser678Leu)

Gene: TMC6 (transmembrane channel like 6; minus strand). Cytogenetic location: 17q25.3.
Variant type: single nucleotide variant.
Coding change: c.2033C>T on transcript NM_001127198.5 (MANE Select); coding-DNA position 2033, C replaced by T.
Protein change: p.Ser678Leu; replaces serine 678 with leucine.
Molecular consequence: missense variant. On other transcripts: non-coding transcript variant (4).
Genome position (GRCh38, 1-based): chr17:78,117,633, G>A on the plus strand (C>T on the coding strand, the complement: TMC6 is on the minus strand). VCF-style: chr17-78117633-G-A. GRCh37 (hg19) VCF-style: chr17-76113714-G-A.
Other names: c.2033C>T, p.Ser678Leu (NM_001321185.1, NM_001374596.1, NM_001375353.1 and 2 more transcripts); c.1853C>T, p.Ser618Leu (NM_001374593.1, NM_001374594.1); short protein forms S678L, S618L.
Identifiers: ClinVar variation 526233 (VCV000526233.7), dbSNP rs749657465, ClinGen allele CA8795448.